The following is an entry in ClinVar:

NM_001151.4(SLC25A4):c.58G>A (p.Ala20Thr)

Gene: SLC25A4 (solute carrier family 25 member 4; plus strand). Cytogenetic location: 4q35.1.
Variant type: single nucleotide variant.
Coding change: c.58G>A on transcript NM_001151.4 (MANE Select); coding-DNA position 58, G replaced by A.
Protein change: p.Ala20Thr; replaces alanine 20 with threonine.
Molecular consequence: missense variant.
Genome position (GRCh38, 1-based): chr4:185,143,430, G>A. VCF-style: chr4-185143430-G-A. GRCh37 (hg19) VCF-style: chr4-186064584-G-A.
Other names: short protein forms A20T.
Identifiers: ClinVar variation 2840251 (VCV002840251.3), dbSNP rs1455554222, ClinGen allele CA358895771.

ClinVar aggregate classification (germline): Uncertain significance (1 of 4 stars; one submission).

Allele frequency attached by ClinVar (database versions not stated): TOPMed below 0.00001; gnomAD exomes 0.00001.
gnomAD v4.1: 7 of 1,519,848 alleles (0.00046%); highest among the groups gnomAD compares: Non-Finnish European, 0.00062%; no homozygotes.

Submission:

Labcorp Genetics (formerly Invitae), Labcorp
Classification: Uncertain significance. Last evaluated: 2023-02-23. Review status: criteria provided, single submitter. Criteria: Invitae Variant Classification Sherloc (09022015). Collection method: clinical testing. Allele origin: germline.
Comment: In summary, the available evidence is currently insufficient to determine the role of this variant in disease. Therefore, it has been classified as a Variant of Uncertain Significance. Advanced modeling of protein sequence and biophysical properties (such as structural, functional, and spatial information, amino acid conservation, physicochemical variation, residue mobility, and thermodynamic stability) performed at Invitae indicates that this missense variant is not expected to disrupt SLC25A4 protein function. This variant has not been reported in the literature in individuals affected with SLC25A4-related conditions. The frequency data for this variant in the population databases is considered unreliable, as metrics indicate poor data quality at this position in the gnomAD database. This sequence change replaces alanine, which is neutral and non-polar, with threonine, which is neutral and polar, at codon 20 of the SLC25A4 protein (p.Ala20Thr).